The following is an entry in ClinVar:

NM_000019.4(ACAT1):c.11T>C (p.Leu4Pro)

Gene: ACAT1 (acetyl-CoA acetyltransferase 1; plus strand). Cytogenetic location: 11q22.3.
Variant type: single nucleotide variant.
Coding change: c.11T>C on transcript NM_000019.4 (MANE Select); coding-DNA position 11, T replaced by C.
Protein change: p.Leu4Pro; replaces leucine 4 with proline.
Molecular consequence: missense variant. On other transcripts: 5 prime UTR variant (3), non-coding transcript variant (2), intron variant (2).
Genome position (GRCh38, 1-based): chr11:108,121,617, T>C. VCF-style: chr11-108121617-T-C. GRCh37 (hg19) VCF-style: chr11-107992344-T-C.
Other names: c.11T>C, p.Leu4Pro (NM_001386677.1, NM_001386678.1); c.-267T>C (NM_001386679.1); c.-354T>C (NM_001386685.1); c.-359T>C (NM_001386686.1); c.-416+4715T>C (NM_001386682.1); c.-199+4715T>C (NM_001386681.1); short protein forms L4P.
Identifiers: ClinVar variation 3630829 (VCV003630829.1).

ClinVar aggregate classification (germline): Uncertain significance (1 of 4 stars; one submission).

Conditions:
Deficiency of acetyl-CoA acetyltransferase. Also called: 3-KETOTHIOLASE DEFICIENCY; 3-OXOTHIOLASE DEFICIENCY; MITOCHONDRIAL ACETOACETYL-CoA THIOLASE DEFICIENCY; Beta-ketothiolase deficiency. Identifiers: Orphanet 134, MedGen C1536500, MONDO:0008760, OMIM 203750. Disease mechanism: loss of function.

gnomAD v4.1: 12 of 1,550,912 alleles (0.00077%); highest among the groups gnomAD compares: East Asian, 0.029%; no homozygotes.

Submission:

Labcorp Genetics (formerly Invitae), Labcorp
Classification: Uncertain significance for Deficiency of acetyl-CoA acetyltransferase. Last evaluated: 2024-11-11. Review status: criteria provided, single submitter. Criteria: Invitae Variant Classification Sherloc (09022015). Collection method: clinical testing. Allele origin: germline.
Comment: This sequence change replaces leucine, which is neutral and non-polar, with proline, which is neutral and non-polar, at codon 4 of the ACAT1 protein (p.Leu4Pro). This variant is present in population databases (no rsID available, gnomAD 0.03%). This variant has not been reported in the literature in individuals affected with ACAT1-related conditions. Invitae Evidence Modeling of protein sequence and biophysical properties (such as structural, functional, and spatial information, amino acid conservation, physicochemical variation, residue mobility, and thermodynamic stability) indicates that this missense variant is not expected to disrupt ACAT1 protein function with a negative predictive value of 95%. In summary, the available evidence is currently insufficient to determine the role of this variant in disease. Therefore, it has been classified as a Variant of Uncertain Significance.